The following is an entry in ClinVar:

ClinVar aggregate classification (germline): Likely benign. Review status: criteria provided, multiple submitters, no conflicts (2 of 4 stars). 2 submissions from 2 submitters: Likely benign (2). Last evaluated 2026-01-17.

Allele frequency attached by ClinVar (database versions not stated): TOPMed below 0.00001; gnomAD 0.00001.
gnomAD v4.1: 1 of 1,208,069 alleles (0.000083%); highest among the groups gnomAD compares: Admixed American, 0.0022%; no homozygotes.

Submissions (2):

Labcorp Genetics (formerly Invitae), Labcorp
Classification: Likely benign. Last evaluated: 2026-01-17. Review status: criteria provided, single submitter. Criteria: Invitae Variant Classification Sherloc (09022015). Collection method: clinical testing. Allele origin: germline.

GeneDx
Classification: Likely benign. Last evaluated: 2017-06-12. Review status: criteria provided, single submitter. Criteria: GeneDx Variant Classification (06012015). Collection method: clinical testing. Allele origin: germline. Affected: yes.
Comment: This variant is considered likely benign or benign based on one or more of the following criteria: it is a conservative change, it occurs at a poorly conserved position in the protein, it is predicted to be benign by multiple in silico algorithms, and/or has population frequency not consistent with disease.

NM_007325.5(GRIA3):c.2502T>C (p.Gly834=)

Gene: GRIA3 (glutamate ionotropic receptor AMPA type subunit 3; plus strand). Cytogenetic location: Xq25.
Variant type: single nucleotide variant.
Coding change: c.2502T>C on transcript NM_007325.5 (MANE Select); coding-DNA position 2502, T replaced by C.
Protein change: p.Gly834=; no amino-acid change (glycine 834 retained).
Molecular consequence: synonymous variant.
Genome position (GRCh38, 1-based): chrX:123,482,861, T>C. VCF-style: chrX-123482861-T-C. GRCh37 (hg19) VCF-style: chrX-122616712-T-C.
Other names: c.2502T>C, p.Gly834= (NM_000828.5).
Identifiers: ClinVar variation 517938 (VCV000517938.8), dbSNP rs1556337781, ClinGen allele CA518426559.
Genomic context (GRCh38, chrX:123,482,861, plus strand): 5'-CAAGACCAGCGCTCTGAGCCTGAGCAATGTGGCAGGCGTTTTCTATATACTTGTCGGAGG[T>C]CTGGGGCTGGCCATGATGGTGGCTTTGATAGAATTCTGTTACAAATCACGGGCAGAGTCC-3'
Protein context (NP_015564.5, residues 824-844): VAGVFYILVG[Gly834=]LGLAMMVALI